The following is an entry in ClinVar:

NM_006312.6(NCOR2):c.2715A>T (p.Thr905=)

Gene: NCOR2 (nuclear receptor corepressor 2; minus strand). Cytogenetic location: 12q24.31.
Variant type: single nucleotide variant.
Coding change: c.2715A>T on transcript NM_006312.6 (MANE Select); coding-DNA position 2715, A replaced by T.
Protein change: p.Thr905=; no amino-acid change (threonine 905 retained).
Molecular consequence: synonymous variant.
Genome position (GRCh38, 1-based): chr12:124,372,114, T>A on the plus strand (A>T on the coding strand, the complement: NCOR2 is on the minus strand). VCF-style: chr12-124372114-T-A. GRCh37 (hg19) VCF-style: chr12-124856660-T-A.
Other names: c.2661A>T, p.Thr887= (NM_001077261.4, NM_001206654.2).
Identifiers: ClinVar variation 3060147 (VCV003060147.2), dbSNP rs3741513, ClinGen allele CA6868967.

ClinVar aggregate classification (germline): Benign (0 of 4 stars; one submission).

Conditions:
NCOR2-related disorder. Also called: NCOR2-related condition.

Allele frequency attached by ClinVar (database versions not stated): 1000 Genomes Project 0.38518; 1000 Genomes Project 30x 0.38866; gnomAD 0.50418; TOPMed 0.50465; ESP Exome Variant Server 0.52655; ExAC 0.53579; gnomAD exomes 0.58175.
gnomAD v4.1: 918,841 of 1,602,002 alleles (57%); highest among the groups gnomAD compares: Admixed American, 61%; 271,062 homozygotes.

Submission:

PreventionGenetics, part of Exact Sciences
Classification: Benign for NCOR2-related condition. Last evaluated: 2019-10-17. Review status: no assertion criteria provided. Collection method: clinical testing. Allele origin: germline.
Comment: This variant is classified as benign based on ACMG/AMP sequence variant interpretation guidelines (Richards et al. 2015 PMID: 25741868, with internal and published modifications).